The following is an entry in ClinVar:

NM_020297.4(ABCC9):c.1056C>T (p.Tyr352=)

Gene: ABCC9 (ATP binding cassette subfamily C member 9; minus strand). Cytogenetic location: 12p12.1.
Variant type: single nucleotide variant.
Coding change: c.1056C>T on transcript NM_020297.4 (MANE Select); coding-DNA position 1056, C replaced by T.
Protein change: p.Tyr352=; no amino-acid change (tyrosine 352 retained).
Molecular consequence: synonymous variant.
Genome position (GRCh38, 1-based): chr12:21,910,934, G>A on the plus strand (C>T on the coding strand, the complement: ABCC9 is on the minus strand). VCF-style: chr12-21910934-G-A. GRCh37 (hg19) VCF-style: chr12-22063868-G-A.
Other names: p.Y352Y:TAC>TAT; p.Tyr352=; c.1056C>T, p.Tyr352= (NM_001377273.1, NM_005691.4); c.192C>T, p.Tyr64= (NM_001377274.1); c.1056C>T (NM_020297.3).
Identifiers: ClinVar variation 45380 (VCV000045380.30), dbSNP rs149408382, ClinGen allele CA282514.
Genomic context (GRCh38, chr12:21,910,934, plus strand): 5'-GGAAGCCTGCAAAAATGTCCTTTGCAGAATAAGAGCCAAGAAGAGAAGAACTGCTAGAAC[G>A]TAAGCGTTTTCAAGAAATTCCTTTGATGAGAGGGTTTCTGAAATCTGGTCCCCAAAGAAA-3'
Protein context (NP_064693.2, residues 342-362): LSSKEFLENA[Tyr352=]VLAVLLFLAL

ClinVar aggregate classification (germline): Benign/Likely benign. Review status: criteria provided, multiple submitters, no conflicts (2 of 4 stars). 12 submissions from 12 submitters: Benign (7); Likely benign (2). 3 of the submissions do not count toward it. Last evaluated 2026-09-01.

Conditions:
ABCC9-related disorder. Also called: ABCC9-related disorders; ABCC9-related condition.
Dilated cardiomyopathy 1O (CMD1O). Also called: CARDIOMYOPATHY, DILATED, WITH VENTRICULAR TACHYCARDIA. Identifiers: Orphanet 154, MedGen C1837839, MONDO:0012062, OMIM 608569.

Allele frequency attached by ClinVar (database versions not stated): 1000 Genomes Project 30x 0.00141; 1000 Genomes Project 0.00180; gnomAD 0.00256 and 0.00276; TOPMed 0.00297; ESP Exome Variant Server 0.00315; gnomAD exomes 0.00025 and 0.00057; ExAC 0.00073.
gnomAD v4.1: 759 of 1,612,404 alleles (0.047%); highest among the groups gnomAD compares: African/African-American, 0.87%; no homozygotes.

Submissions (12):

CeGaT Center for Human Genetics Tuebingen
Classification: Likely benign. Last evaluated: 2026-09-01. Review status: criteria provided, single submitter. Criteria: CeGaT Center For Human Genetics Tuebingen Variant Classification Criteria Version 2. Collection method: clinical testing. Allele origin: germline. Affected: yes. Observed: 2 variant alleles.
Comment: ABCC9: BP4, BP7

Labcorp Genetics (formerly Invitae), Labcorp
Classification: Benign for Dilated cardiomyopathy 1O. Last evaluated: 2026-02-03. Review status: criteria provided, single submitter. Criteria: Invitae Variant Classification Sherloc (09022015). Collection method: clinical testing. Allele origin: germline.

Mayo Clinic Laboratories, Mayo Clinic
Classification: Benign. Last evaluated: 2024-12-05. Review status: criteria provided, single submitter. Criteria: ACMG Guidelines, 2015. Collection method: clinical testing. Allele origin: germline. Observed: 5 variant alleles.
Comment: BS1, BP4, BP7

Blueprint Genetics
Classification: Likely benign. Last evaluated: 2024-10-16. Review status: criteria provided, single submitter. Criteria: ACMG Guidelines, 2015. Collection method: clinical testing. Allele origin: germline.

Women's Health and Genetics/Laboratory Corporation of America, LabCorp
Classification: Benign. Last evaluated: 2017-02-06. Review status: criteria provided, single submitter. Criteria: LabCorp Variant Classification Summary - May 2015. Collection method: clinical testing. Allele origin: germline.
Comment: Variant summary: The ABCC9 c.1056C>T (p.Tyr352Tyr) variant involves the alteration of a non-conserved nucleotide, resulting in a synonymous change. Mutation taster predicts a damaging outcome for this substitution. This variant was found in 88/120960 control chromosomes, predominantly observed in the African subpopulation at a frequency of 0.00771 (80/10376). This frequency is about 308 times the estimated maximal expected allele frequency of a pathogenic ABCC9 variant (0.000025), suggesting this is likely a benign polymorphism found primarily in the populations of African origin. In addition, multiple clinical diagnostic laboratories/reputable databases classified this variant as benign. Considering the high prevalence of the variant in the general population, it was classified as benign.

Eurofins Ntd Llc (ga)
Classification: Benign. Last evaluated: 2015-08-10. Review status: criteria provided, single submitter. Criteria: EGL Classification Definitions 2015. Collection method: clinical testing. Allele origin: germline. Observed: 1 variant allele, 1 heterozygote.

GeneDx
Classification: Benign. Last evaluated: 2014-05-05. Review status: criteria provided, single submitter. Criteria: GeneDx Variant Classification (06012015). Collection method: clinical testing. Allele origin: germline. Affected: yes.
Comment: This variant is considered likely benign or benign based on one or more of the following criteria: it is a conservative change, it occurs at a poorly conserved position in the protein, it is predicted to be benign by multiple in silico algorithms, and/or has population frequency not consistent with disease.

Laboratory for Molecular Medicine, Mass General Brigham Personalized Medicine
Classification: Benign. Last evaluated: 2012-05-10. Review status: criteria provided, single submitter. Criteria: LMM Criteria. Collection method: clinical testing. Allele origin: germline. Observed: 6 variant alleles.
Comment: Tyr352Tyr in Exon 07 of ABCC9: This variant is not expected to have clinical sig nificance because it does not alter an amino acid residue, is not located within the splice consensus sequence and has been identified in 0.6% (24/3736) of Afri can American chromosomes from a broad population by the NHLBI Exome Sequencing P roject (dbSNP rs149408382).

Breakthrough Genomics
Classification: Benign. Review status: criteria provided, single submitter. Criteria: ACMG Guidelines, 2015. Collection method: not provided. Allele origin: germline. Inheritance: Autosomal recessive inheritance. Affected: yes.

PreventionGenetics, part of Exact Sciences
Classification: Benign for ABCC9-related condition. Last evaluated: 2019-03-29. Review status: no assertion criteria provided. Collection method: clinical testing. Allele origin: germline. Not counted in ClinVar's aggregate classification.
Comment: This variant is classified as benign based on ACMG/AMP sequence variant interpretation guidelines (Richards et al. 2015 PMID: 25741868, with internal and published modifications).

Clinical Genetics DNA and cytogenetics Diagnostics Lab, Erasmus MC, Erasmus Medical Center
Classification: Likely benign. Review status: no assertion criteria provided. Collection method: clinical testing. Allele origin: germline. Affected: yes. Study: VKGL Data-share Consensus. Not counted in ClinVar's aggregate classification.

Clinical Genetics, Academic Medical Center
Classification: Benign. Review status: no assertion criteria provided. Collection method: clinical testing. Allele origin: germline. Affected: yes. Study: VKGL Data-share Consensus. Not counted in ClinVar's aggregate classification.